The following is an entry in ClinVar:

ClinVar aggregate classification (germline): Uncertain significance (1 of 4 stars; one submission).

Conditions:
Atypical hemolytic-uremic syndrome. Identifiers: Orphanet 2134, MedGen C2931788, MONDO:0016244.

Submission:

Genomenon, Inc
Classification: Uncertain significance for Atypical hemolytic-uremic syndrome. Last evaluated: 2025-10-02. Review status: criteria provided, single submitter. Criteria: Genomenon Sequence Variant Interpretation Standards - Updated. Collection method: curation. Allele origin: germline. Affected: yes.
Comment: CFH p.Pro1130Leu (c.3389C>T) is a missense variant that changes the amino acid at residue 1130 from Proline to Leucine. This variant has been observed in at least one proband affected with atypical hemolytic-uremic syndrome (PMID:23307876). Functional studies have been reported (PMID:34189567). It is absent or not present at a significant frequency in gnomAD. In silico models agree that this variant is not damaging. In conclusion, we classify CFH p.Pro1130Leu (c.3389C>T) as a variant of uncertain significance.

Literature cited by the submitters: PubMed 23307876; PubMed 34189567.

NM_000186.4(CFH):c.3389C>T (p.Pro1130Leu)

Gene: CFH (complement factor H; plus strand). Cytogenetic location: 1q31.3.
Variant type: single nucleotide variant.
Coding change: c.3389C>T on transcript NM_000186.4 (MANE Select); coding-DNA position 3389, C replaced by T.
Protein change: p.Pro1130Leu; replaces proline 1130 with leucine.
Molecular consequence: missense variant.
Genome position (GRCh38, 1-based): chr1:196,745,895, C>T. VCF-style: chr1-196745895-C-T. GRCh37 (hg19) VCF-style: chr1-196715025-C-T.
Other names: short protein forms P1130L.
Identifiers: ClinVar variation 4291561 (VCV004291561.1).